The following is an entry in ClinVar:

NM_017612.5(ZCCHC8):c.317+4A>G

Gene: ZCCHC8 (zinc finger CCHC-type containing 8; minus strand). Cytogenetic location: 12q24.31.
Variant type: single nucleotide variant.
Coding change: c.317+4A>G on transcript NM_017612.5 (MANE Select); 4 bases into the intron after coding-DNA position 317, A replaced by G.
Molecular consequence: intron variant.
Genome position (GRCh38, 1-based): chr12:122,492,711, T>C on the plus strand (A>G on the coding strand, the complement: ZCCHC8 is on the minus strand). VCF-style: chr12-122492711-T-C. GRCh37 (hg19) VCF-style: chr12-122977258-T-C.
Other names: c.-122+4A>G (NM_001350938.2); c.317+4A>G (NM_001350935.2); c.-228+4A>G (NM_001350937.2); c.20+4A>G (NM_001350936.2).
Identifiers: ClinVar variation 1487724 (VCV001487724.6), dbSNP rs1566302280, ClinGen allele CA913788147.

ClinVar aggregate classification (germline): Uncertain significance (1 of 4 stars; one submission).

Allele frequency attached by ClinVar (database versions not stated): gnomAD exomes below 0.00001; gnomAD 0.00001.
gnomAD v4.1: 2 of 1,515,184 alleles (0.00013%); highest among the groups gnomAD compares: Non-Finnish European, 0.00018%; no homozygotes.

Submission:

Labcorp Genetics (formerly Invitae), Labcorp
Classification: Uncertain significance. Last evaluated: 2021-08-31. Review status: criteria provided, single submitter. Criteria: Invitae Variant Classification Sherloc (09022015). Collection method: clinical testing. Allele origin: germline.
Comment: This sequence change falls in intron 3 of the ZCCHC8 gene. It does not directly change the encoded amino acid sequence of the ZCCHC8 protein. It affects a nucleotide within the consensus splice site of the intron. This variant is not present in population databases (ExAC no frequency). This variant has not been reported in the literature in individuals affected with ZCCHC8-related conditions. Variants that disrupt the consensus splice site are a relatively common cause of aberrant splicing (PMID: 17576681, 9536098). Algorithms developed to predict the effect of sequence changes on RNA splicing suggest that this variant may disrupt the consensus splice site. In summary, the available evidence is currently insufficient to determine the role of this variant in disease. Therefore, it has been classified as a Variant of Uncertain Significance.

Literature cited by the submitters: PubMed 17576681; PubMed 9536098.